The following is an entry in ClinVar:

NM_000051.4(ATM):c.1981G>A (p.Asp661Asn)

Gene: ATM (ATM serine/threonine kinase; plus strand). Cytogenetic location: 11q22.3.
Variant type: single nucleotide variant.
Coding change: c.1981G>A on transcript NM_000051.4 (MANE Select); coding-DNA position 1981, G replaced by A.
Protein change: p.Asp661Asn; replaces aspartic acid 661 with asparagine.
Molecular consequence: missense variant.
Genome position (GRCh38, 1-based): chr11:108,253,896, G>A. VCF-style: chr11-108253896-G-A. GRCh37 (hg19) VCF-style: chr11-108124623-G-A.
Other names: c.1981G>A, p.Asp661Asn (NM_001351834.2); short protein forms D661N.
Identifiers: ClinVar variation 524285 (VCV000524285.10), dbSNP rs1029931261, ClinGen allele CA228393576.

ClinVar aggregate classification (germline): Uncertain significance. Review status: criteria provided, multiple submitters, no conflicts (2 of 4 stars). 2 submissions from 2 submitters: Uncertain significance (2). Last evaluated 2025-01-12.

Conditions:
Hereditary cancer-predisposing syndrome. Also called: Neoplastic Syndromes, Hereditary; Tumor predisposition; Hereditary Cancer Syndrome; Hereditary neoplastic syndrome. Identifiers: Orphanet 140162, MedGen C0027672, MeSH D009386, MONDO:0015356.
Ataxia-telangiectasia syndrome (AT). Also called: ATAXIA-TELANGIECTASIA, COMPLEMENTATION GROUP A; ATAXIA-TELANGIECTASIA, FRESNO VARIANT; Ataxia-telangiectasia; Ataxia-telangiectasia, complementation group D; AT, COMPLEMENTATION GROUP C; Ataxia-telangiectasia, complementation group E. Identifiers: Orphanet 100, MedGen C0004135, MONDO:0008840, OMIM 208900.

Allele frequency attached by ClinVar (database versions not stated): TOPMed 0.00001.

Submissions (2):

Labcorp Genetics (formerly Invitae), Labcorp
Classification: Uncertain significance for Ataxia-telangiectasia syndrome. Last evaluated: 2025-01-12. Review status: criteria provided, single submitter. Criteria: Invitae Variant Classification Sherloc (09022015). Collection method: clinical testing. Allele origin: germline.
Comment: This sequence change replaces aspartic acid, which is acidic and polar, with asparagine, which is neutral and polar, at codon 661 of the ATM protein (p.Asp661Asn). This variant is not present in population databases (gnomAD no frequency). This variant has not been reported in the literature in individuals affected with ATM-related conditions. ClinVar contains an entry for this variant (Variation ID: 524285). Invitae Evidence Modeling of protein sequence and biophysical properties (such as structural, functional, and spatial information, amino acid conservation, physicochemical variation, residue mobility, and thermodynamic stability) indicates that this missense variant is not expected to disrupt ATM protein function with a negative predictive value of 95%. In summary, the available evidence is currently insufficient to determine the role of this variant in disease. Therefore, it has been classified as a Variant of Uncertain Significance.

Ambry Genetics
Classification: Uncertain significance for Hereditary cancer-predisposing syndrome. Last evaluated: 2021-05-06. Review status: criteria provided, single submitter. Criteria: Ambry Variant Classification Scheme 2023. Collection method: clinical testing. Allele origin: germline.
Comment: The p.D661N variant (also known as c.1981G>A), located in coding exon 12 of the ATM gene, results from a G to A substitution at nucleotide position 1981. The aspartic acid at codon 661 is replaced by asparagine, an amino acid with highly similar properties. This amino acid position is highly conserved in available vertebrate species. In addition, this alteration is predicted to be tolerated by in silico analysis. Since supporting evidence is limited at this time, the clinical significance of this alteration remains unclear.